The following is an entry in ClinVar:

ClinVar aggregate classification (germline): Benign (1 of 4 stars; one submission).

Allele frequency attached by ClinVar (database versions not stated): TOPMed 0.52146; 1000 Genomes Project 30x 0.52592; 1000 Genomes Project 0.52756; gnomAD 0.53863 and 0.54024.
gnomAD v4.1: 81,591 of 151,958 alleles (54%); highest among the groups gnomAD compares: East Asian, 60%; 22,216 homozygotes.

Submission:

GeneDx
Classification: Benign. Last evaluated: 2018-06-19. Review status: criteria provided, single submitter. Criteria: GeneDx Variant Classification (06012015). Collection method: clinical testing. Allele origin: germline. Affected: yes.
Comment: This variant is considered likely benign or benign based on one or more of the following criteria: it is a conservative change, it occurs at a poorly conserved position in the protein, it is predicted to be benign by multiple in silico algorithms, and/or has population frequency not consistent with disease.

NM_005045.4(RELN):c.6072+257A>G

Gene: RELN (reelin; minus strand). Cytogenetic location: 7q22.1.
Variant type: single nucleotide variant.
Coding change: c.6072+257A>G on transcript NM_005045.4 (MANE Select); 257 bases into the intron after coding-DNA position 6072, A replaced by G.
Molecular consequence: intron variant.
Genome position (GRCh38, 1-based): chr7:103,553,204, T>C on the plus strand (A>G on the coding strand, the complement: RELN is on the minus strand). VCF-style: chr7-103553204-T-C. GRCh37 (hg19) VCF-style: chr7-103193651-T-C.
Other names: c.6072+257A>G (NM_173054.3).
Identifiers: ClinVar variation 684071 (VCV000684071.1), dbSNP rs2711879, ClinGen allele CA163903795.